The following is an entry in ClinVar:

ClinVar aggregate classification (germline): Benign. Review status: criteria provided, multiple submitters, no conflicts (2 of 4 stars). 4 submissions from 4 submitters: Benign (4). Last evaluated 2018-06-19.

Allele frequency attached by ClinVar (database versions not stated): 1000 Genomes Project 0.04213; 1000 Genomes Project 30x 0.04216; gnomAD 0.05679 and 0.05723; TOPMed 0.05755; ESP Exome Variant Server 0.07051.

Submissions (4):

GeneDx
Classification: Benign. Last evaluated: 2018-06-19. Review status: criteria provided, single submitter. Criteria: GeneDx Variant Classification (06012015). Collection method: clinical testing. Allele origin: germline. Affected: yes.
Comment: This variant is considered likely benign or benign based on one or more of the following criteria: it is a conservative change, it occurs at a poorly conserved position in the protein, it is predicted to be benign by multiple in silico algorithms, and/or has population frequency not consistent with disease.

Eurofins Ntd Llc (ga)
Classification: Benign. Last evaluated: 2012-11-16. Review status: criteria provided, single submitter. Criteria: EGL Classification Definitions 2015. Collection method: clinical testing. Allele origin: germline. Observed: 4 variant alleles, 4 heterozygotes.

Breakthrough Genomics
Classification: Benign. Review status: criteria provided, single submitter. Criteria: ACMG Guidelines, 2015. Collection method: not provided. Allele origin: germline. Inheritance: Autosomal recessive inheritance. Affected: yes.

PreventionGenetics, part of Exact Sciences
Classification: Benign. Review status: criteria provided, single submitter. Criteria: ACMG Guidelines, 2015. Collection method: clinical testing. Allele origin: germline.

NM_001849.4(COL6A2):c.1573-32C>T

Gene: COL6A2 (collagen type VI alpha 2 chain; plus strand). Cytogenetic location: 21q22.3.
Variant type: single nucleotide variant.
Coding change: c.1573-32C>T on transcript NM_001849.4 (MANE Select); 32 bases into the intron before coding-DNA position 1573, C replaced by T.
Molecular consequence: intron variant.
Genome position (GRCh38, 1-based): chr21:46,122,464, C>T. VCF-style: chr21-46122464-C-T. GRCh37 (hg19) VCF-style: chr21-47542378-C-T.
Other names: c.1573-32C>T (NM_058175.3, NM_058174.3).
Identifiers: ClinVar variation 93912 (VCV000093912.7), dbSNP rs17272651, ClinGen allele CA147436.